The following is an entry in ClinVar:

NM_006231.4(POLE):c.779G>A (p.Arg260Gln)

Gene: POLE (DNA polymerase epsilon, catalytic subunit; minus strand). Cytogenetic location: 12q24.33.
Variant type: single nucleotide variant.
Coding change: c.779G>A on transcript NM_006231.4 (MANE Select); coding-DNA position 779, G replaced by A.
Protein change: p.Arg260Gln; replaces arginine 260 with glutamine.
Molecular consequence: missense variant.
Genome position (GRCh38, 1-based): chr12:132,677,385, C>T on the plus strand (G>A on the coding strand, the complement: POLE is on the minus strand). VCF-style: chr12-132677385-C-T. GRCh37 (hg19) VCF-style: chr12-133253971-C-T.
Other names: short protein forms R260Q.
Identifiers: ClinVar variation 220642 (VCV000220642.61), dbSNP rs5744752, ClinGen allele CA348894.
Genomic context (GRCh38, chr12:132,677,385, plus strand): 5'-GGAAATTTTAGGATGAAGGTAACACAAGCAAAACTTACAGGTCGTTCAACAAGGTCATCT[C>T]GGCGGGTGATTTCTACCGGAAAAGCATTTCCTCGGTATCTGACATTGTACCAATGAGCCT-3'
Protein context (NP_006222.2, residues 250-270): GNAFPVEITR[Arg260Gln]DDLVERPDPV

ClinVar aggregate classification (germline): Benign/Likely benign. Review status: criteria provided, multiple submitters, no conflicts (2 of 4 stars). 16 submissions from 16 submitters: Benign (6); Likely benign (7). 3 of the submissions do not count toward it. Last evaluated 2026-02-03.

Conditions:
Hereditary cancer-predisposing syndrome. Also called: Neoplastic Syndromes, Hereditary; Hereditary Cancer Syndrome; Tumor predisposition; Hereditary neoplastic syndrome. Identifiers: Orphanet 140162, MedGen C0027672, MeSH D009386, MONDO:0015356.
Colorectal cancer, susceptibility to, 12 (CRCS12). Also called: COLORECTAL CANCER, SUSCEPTIBILITY TO, ON CHROMOSOME 12q24. Identifiers: Orphanet 220460, MedGen C3554460, MONDO:0014038, OMIM 615083.

Allele frequency attached by ClinVar (database versions not stated): gnomAD exomes 0.00084; ExAC 0.00105; gnomAD 0.00292 and 0.00312; TOPMed 0.00307; 1000 Genomes Project 0.00339; ESP Exome Variant Server 0.00361; 1000 Genomes Project 30x 0.00390.
gnomAD v4.1: 970 of 1,614,004 alleles (0.06%); highest among the groups gnomAD compares: African/African-American, 0.95%; 12 homozygotes.

Submissions (16):

Labcorp Genetics (formerly Invitae), Labcorp
Classification: Benign. Last evaluated: 2026-02-03. Review status: criteria provided, single submitter. Criteria: Invitae Variant Classification Sherloc (09022015). Collection method: clinical testing. Allele origin: germline.

CeGaT Center for Human Genetics Tuebingen
Classification: Likely benign. Last evaluated: 2026-02-01. Review status: criteria provided, single submitter. Criteria: CeGaT Center For Human Genetics Tuebingen Variant Classification Criteria Version 2. Collection method: clinical testing. Allele origin: germline. Affected: yes. Observed: 2 variant alleles.
Comment: POLE: BP4, BS2

ARUP Laboratories, Molecular Genetics and Genomics, ARUP Laboratories
Classification: Likely benign. Last evaluated: 2025-03-27. Review status: criteria provided, single submitter. Criteria: ARUP Molecular Germline Variant Investigation Process 2024. Collection method: clinical testing. Allele origin: germline.

Center for Genomic Medicine, Rigshospitalet, Copenhagen University Hospital
Classification: Benign. Last evaluated: 2025-03-04. Review status: criteria provided, single submitter. Criteria: ACMG Guidelines, 2015. Collection method: clinical testing. Allele origin: germline.

Mayo Clinic Laboratories, Mayo Clinic
Classification: Likely benign. Last evaluated: 2025-02-19. Review status: criteria provided, single submitter. Criteria: ACMG Guidelines, 2015. Collection method: clinical testing. Allele origin: germline. Observed: 1 variant allele.
Comment: BS1, BP4

Women's Health and Genetics/Laboratory Corporation of America, LabCorp
Classification: Likely benign. Last evaluated: 2025-01-30. Review status: criteria provided, single submitter. Criteria: LabCorp Variant Classification Summary - May 2015. Collection method: clinical testing. Allele origin: germline.
Comment: Variant summary: POLE c.779G>A (p.Arg260Gln) results in a conservative amino acid change located in the Ribonuclease H-like domain of the encoded protein sequence. Four of five in-silico tools predict a benign effect of the variant on protein function. The variant allele was found at a frequency of 0.00084 in 251484 control chromosomes, predominantly at a frequency of 0.01 within the African or African-American subpopulation in the gnomAD database, including 3 homozygotes. The observed variant frequency within African or African-American control individuals in the gnomAD database is approximately 9 fold of the estimated maximal expected allele frequency for a pathogenic variant in POLE causing Facial Dysmorphism, Immunodeficiency, Livedo, And Short Stature phenotype (0.0011). ClinVar contains an entry for this variant (Variation ID: 220642). Based on the evidence outlined above, the variant was classified as likely benign.

KCCC/NGS Laboratory, Kuwait Cancer Control Center
Classification: Benign for Colorectal cancer, susceptibility to, 12. Last evaluated: 2023-07-07. Review status: criteria provided, single submitter. Criteria: ACMG Guidelines, 2015. Collection method: clinical testing. Allele origin: germline. Affected: yes.

GeneDx
Classification: Likely benign. Last evaluated: 2022-03-24. Review status: criteria provided, single submitter. Criteria: GeneDx Variant Classification Process June 2021. Collection method: clinical testing. Allele origin: germline. Affected: yes.
Comment: This variant is associated with the following publications: (PMID: 26251183, 15766587)

Sema4
Classification: Benign for Hereditary cancer-predisposing syndrome. Last evaluated: 2020-02-06. Review status: criteria provided, single submitter. Criteria: Sema4 Curation Guidelines. Collection method: curation. Allele origin: germline.

Quest Diagnostics Nichols Institute San Juan Capistrano
Classification: Benign. Last evaluated: 2018-05-23. Review status: criteria provided, single submitter. Criteria: Quest Diagnostics criteria. Collection method: clinical testing. Allele origin: unknown.

PreventionGenetics, part of Exact Sciences
Classification: Benign. Last evaluated: 2017-09-01. Review status: criteria provided, single submitter. Criteria: ACMG Guidelines, 2015. Collection method: clinical testing. Allele origin: germline.

Ambry Genetics
Classification: Likely benign for Hereditary cancer-predisposing syndrome. Last evaluated: 2015-07-06. Review status: criteria provided, single submitter. Criteria: Ambry Variant Classification Scheme 2023. Collection method: clinical testing. Allele origin: germline.

Breakthrough Genomics
Classification: Likely benign. Review status: criteria provided, single submitter. Criteria: ACMG Guidelines, 2015. Collection method: not provided. Allele origin: germline. Inheritance: Autosomal recessive inheritance. Affected: yes.

Clinical Genetics, Academic Medical Center
Classification: Likely benign. Review status: no assertion criteria provided. Collection method: clinical testing. Allele origin: germline. Affected: yes. Study: VKGL Data-share Consensus. Not counted in ClinVar's aggregate classification.

Department of Pathology and Laboratory Medicine, Sinai Health System
Classification: Likely benign. Review status: no assertion criteria provided. Collection method: clinical testing. Allele origin: unknown. Affected: yes. Study: The Canadian Open Genetics Repository (COGR). Not counted in ClinVar's aggregate classification.
Comment: The POLE p.Arg260Gln variant was not identified in the literature nor was it identified in the databases. The variant was identified in dbSNP (ID: rs5744752) as "With Likely benign allele", in ClinVar (classified as benign by Invitae, Prevention Genetics, Quest Diagnostics; as likely benign by GeneDx and Ambry Genetics). The variant was identified in control databases in 289 of 277244 chromosomes (4 homozygous) at a frequency of 0.001 increasing the likelihood this could be a low frequency benign variant (Genome Aggregation Database Feb 27, 2017). The variant was observed in the following populations: African in 237 of 24036 chromosomes (freq: 0.0099), Other in 3 of 6468 chromosomes (freq: 0.0005), Latino in 28 of 34420 chromosomes (freq: 0.0008), European Non-Finnish in 18 of 126726 chromosomes (freq: 0.0001), East Asian in 2 of 18868 chromosomes (freq: 0.0001), and South Asian in 1 of 30782 chromosomes (freq: 0.00003); it was not observed in the Ashkenazi Jewish or European Finnish populations. The p.Arg260 residue is conserved in mammals and computational analyses (PolyPhen-2, SIFT, AlignGVGD, BLOSUM, MutationTaster) provide inconsistent predictions regarding the impact to the protein; this information is not very predictive of pathogenicity. The variant occurs outside of the splicing consensus sequence and in silico or computational prediction software programs (SpliceSiteFinder, MaxEntScan, NNSPLICE, GeneSplicer) do not predict a difference in splicing. In summary, based on the above information the clinical significance of this variant cannot be determined with certainty at this time although we would lean towards a more benign role for this variant. This variant is classified as likely benign.

Genome Diagnostics Laboratory, Amsterdam University Medical Center
Classification: Likely benign. Review status: no assertion criteria provided. Collection method: clinical testing. Allele origin: germline. Affected: yes. Study: VKGL Data-share Consensus. Not counted in ClinVar's aggregate classification.